The following is an entry in ClinVar:

ClinVar aggregate classification (germline): Likely pathogenic (1 of 4 stars; one submission).

Submission:

Labcorp Genetics (formerly Invitae), Labcorp
Classification: Likely pathogenic. Last evaluated: 2023-10-18. Review status: criteria provided, single submitter. Criteria: Invitae Variant Classification Sherloc (09022015). Collection method: clinical testing. Allele origin: germline.
Comment: This sequence change affects an acceptor splice site in intron 2 of the TCIRG1 gene. It is expected to disrupt RNA splicing. Variants that disrupt the donor or acceptor splice site typically lead to a loss of protein function (PMID: 16199547), and loss-of-function variants in TCIRG1 are known to be pathogenic (PMID: 10888887, 10942435, 11532986, 19448635). This variant is not present in population databases (gnomAD no frequency). This variant has not been reported in the literature in individuals affected with TCIRG1-related conditions. Algorithms developed to predict the effect of sequence changes on RNA splicing suggest that this variant may disrupt the consensus splice site. In summary, the currently available evidence indicates that the variant is pathogenic, but additional data are needed to prove that conclusively. Therefore, this variant has been classified as Likely Pathogenic.

Literature cited by the submitters: PubMed 16199547; PubMed 10888887; PubMed 10942435; PubMed 11532986; PubMed 19448635.

NM_006019.4(TCIRG1):c.118-2A>T

Gene: TCIRG1 (T cell immune regulator 1, ATPase H+ transporting V0 subunit a3; plus strand). Cytogenetic location: 11q13.2.
Variant type: single nucleotide variant.
Coding change: c.118-2A>T on transcript NM_006019.4 (MANE Select); the canonical splice acceptor site of the intron before coding-DNA position 118, A replaced by T.
Molecular consequence: splice acceptor variant.
Genome position (GRCh38, 1-based): chr11:68,041,751, A>T. VCF-style: chr11-68041751-A-T. GRCh37 (hg19) VCF-style: chr11-67809218-A-T.
Other names: c.-1132-2A>T (NM_001351059.2).
Identifiers: ClinVar variation 2799395 (VCV002799395.3), dbSNP rs2495609536, ClinGen allele CA381574198.